The following is an entry in ClinVar:

NM_032737.4(LMNB2):c.1220G>C (p.Ser407Thr)

Gene: LMNB2 (lamin B2; minus strand). Cytogenetic location: 19p13.3.
Variant type: single nucleotide variant.
Coding change: c.1220G>C on transcript NM_032737.4 (MANE Select); coding-DNA position 1220, G replaced by C.
Protein change: p.Ser407Thr; replaces serine 407 with threonine.
Molecular consequence: missense variant.
Genome position (GRCh38, 1-based): chr19:2,434,088, C>G on the plus strand (G>C on the coding strand, the complement: LMNB2 is on the minus strand). VCF-style: chr19-2434088-C-G. GRCh37 (hg19) VCF-style: chr19-2434086-C-G.
Other names: short protein forms S407T.
Identifiers: ClinVar variation 1409710 (VCV001409710.8), dbSNP rs755373660, ClinGen allele CA9067570.

ClinVar aggregate classification (germline): Uncertain significance (1 of 4 stars; one submission).

Conditions:
Lipodystrophy, partial, acquired, susceptibility to (APLD). Also called: APLD, SUSCEPTIBILITY TO. Identifiers: MedGen C3887501, MONDO:0100476, OMIM 608709.
Progressive myoclonic epilepsy type 9. Identifiers: Orphanet 457265, MedGen C4225289, MONDO:0014685, OMIM 616540.

Allele frequency attached by ClinVar (database versions not stated): gnomAD exomes below 0.00001; ExAC 0.00002.
gnomAD v4.1: 1 of 1,590,588 alleles (0.000063%); highest among the groups gnomAD compares: Non-Finnish European, 0.000085%; no homozygotes.

Submission:

Labcorp Genetics (formerly Invitae), Labcorp
Classification: Uncertain significance for Progressive myoclonic epilepsy type 9; Lipodystrophy, partial, acquired, susceptibility to. Last evaluated: 2022-06-20. Review status: criteria provided, single submitter. Criteria: Invitae Variant Classification Sherloc (09022015). Collection method: clinical testing. Allele origin: germline.
Comment: Algorithms developed to predict the effect of missense changes on protein structure and function are either unavailable or do not agree on the potential impact of this missense change (SIFT: "Deleterious"; PolyPhen-2: "Benign"; Align-GVGD: "Class C55"). In summary, the available evidence is currently insufficient to determine the role of this variant in disease. Therefore, it has been classified as a Variant of Uncertain Significance. This variant has not been reported in the literature in individuals affected with LMNB2-related conditions. The frequency data for this variant in the population databases is considered unreliable, as metrics indicate poor data quality at this position in the gnomAD database. This sequence change replaces serine, which is neutral and polar, with threonine, which is neutral and polar, at codon 407 of the LMNB2 protein (p.Ser407Thr).